The following is an entry in ClinVar:

NM_000245.4(MET):c.239A>G (p.Lys80Arg)

Gene: MET (MET proto-oncogene, receptor tyrosine kinase; plus strand). Cytogenetic location: 7q31.2.
Variant type: single nucleotide variant.
Coding change: c.239A>G on transcript NM_000245.4 (MANE Select); coding-DNA position 239, A replaced by G.
Protein change: p.Lys80Arg; replaces lysine 80 with arginine.
Molecular consequence: missense variant. On other transcripts: intron variant (1).
Genome position (GRCh38, 1-based): chr7:116,699,323, A>G. VCF-style: chr7-116699323-A-G. GRCh37 (hg19) VCF-style: chr7-116339377-A-G.
Other names: c.239A>G, p.Lys80Arg (NM_001127500.3, NM_001324401.3); c.-91+26746A>G (NM_001324402.2); short protein forms K80R.
Identifiers: ClinVar variation 1026890 (VCV001026890.8), dbSNP rs1791468662, ClinGen allele CA368968639.
Genomic context (GRCh38, chr7:116,699,323, plus strand): 5'-ATCACATTTTCCTTGGTGCCACTAACTACATTTATGTTTTAAATGAGGAAGACCTTCAGA[A>G]GGTTGCTGAGTACAAGACTGGGCCTGTGCTGGAACACCCAGATTGTTTCCCATGTCAGGA-3'
Protein context (NP_000236.2, residues 70-90): IYVLNEEDLQ[Lys80Arg]VAEYKTGPVL

ClinVar aggregate classification (germline): Uncertain significance (1 of 4 stars; one submission).

Conditions:
Renal cell carcinoma. Identifiers: Orphanet 217071, MedGen C0007134, MeSH D002292, MONDO:0005086, HP:0005584.

Submission:

Labcorp Genetics (formerly Invitae), Labcorp
Classification: Uncertain significance for Renal cell carcinoma. Last evaluated: 2020-03-10. Review status: criteria provided, single submitter. Criteria: Invitae Variant Classification Sherloc (09022015). Collection method: clinical testing. Allele origin: germline.
Comment: In summary, the available evidence is currently insufficient to determine the role of this variant in disease. Therefore, it has been classified as a Variant of Uncertain Significance. This sequence change replaces lysine with arginine at codon 80 of the MET protein (p.Lys80Arg). The lysine residue is moderately conserved and there is a small physicochemical difference between lysine and arginine. This variant is not present in population databases (ExAC no frequency). This variant has not been reported in the literature in individuals with MET-related conditions. Algorithms developed to predict the effect of missense changes on protein structure and function are either unavailable or do not agree on the potential impact of this missense change (SIFT: "Tolerated"; PolyPhen-2: "Possibly Damaging"; Align-GVGD: "Class C0").